The following is an entry in ClinVar:

ClinVar aggregate classification (germline): Likely benign (1 of 4 stars; one submission).

Allele frequency attached by ClinVar (database versions not stated): gnomAD 0.00842 and 0.00892; TOPMed 0.00843; 1000 Genomes Project 0.00899; 1000 Genomes Project 30x 0.00968.
gnomAD v4.1: 1,263 of 152,162 alleles (0.83%); highest among the groups gnomAD compares: African/African-American, 2.9%; 12 homozygotes.

Submission:

GeneDx
Classification: Likely benign. Last evaluated: 2018-06-14. Review status: criteria provided, single submitter. Criteria: GeneDx Variant Classification (06012015). Collection method: clinical testing. Allele origin: germline. Affected: yes.
Comment: This variant is considered likely benign or benign based on one or more of the following criteria: it is a conservative change, it occurs at a poorly conserved position in the protein, it is predicted to be benign by multiple in silico algorithms, and/or has population frequency not consistent with disease.

NM_003978.5(PSTPIP1):c.37-200A>C

Gene: PSTPIP1 (proline-serine-threonine phosphatase interacting protein 1; plus strand). Cytogenetic location: 15q24.3.
Variant type: single nucleotide variant.
Coding change: c.37-200A>C on transcript NM_003978.5 (MANE Select); 200 bases into the intron before coding-DNA position 37, A replaced by C.
Molecular consequence: intron variant.
Genome position (GRCh38, 1-based): chr15:77,017,948, A>C. VCF-style: chr15-77017948-A-C. GRCh37 (hg19) VCF-style: chr15-77310289-A-C.
Other names: c.232-200A>C (NM_001321137.1); c.10-200A>C (NM_001321136.2); c.37-200A>C (NM_001321135.2).
Identifiers: ClinVar variation 679788 (VCV000679788.1), dbSNP rs113013219, ClinGen allele CA273744205.